The following is an entry in ClinVar:

ClinVar aggregate classification (germline): Uncertain significance (1 of 4 stars; one submission).

Allele frequency attached by ClinVar (database versions not stated): TOPMed below 0.00001; ExAC 0.00001; gnomAD 0.00001; 1000 Genomes Project 0.00020; 1000 Genomes Project 30x 0.00031.
gnomAD v4.1: 1 of 1,613,080 alleles (0.000062%); highest among the groups gnomAD compares: African/African-American, 0.0013%; no homozygotes.

Submission:

Labcorp Genetics (formerly Invitae), Labcorp
Classification: Uncertain significance. Last evaluated: 2022-02-23. Review status: criteria provided, single submitter. Criteria: Invitae Variant Classification Sherloc (09022015). Collection method: clinical testing. Allele origin: germline.
Comment: This sequence change replaces asparagine, which is neutral and polar, with serine, which is neutral and polar, at codon 427 of the MICU1 protein (p.Asn427Ser). This variant is present in population databases (rs575376093, gnomAD 0.007%). This variant has not been reported in the literature in individuals affected with MICU1-related conditions. Algorithms developed to predict the effect of missense changes on protein structure and function are either unavailable or do not agree on the potential impact of this missense change (SIFT: "Tolerated"; PolyPhen-2: "Not Available"; Align-GVGD: "Class C15"). Algorithms developed to predict the effect of sequence changes on RNA splicing suggest that this variant may create or strengthen a splice site. In summary, the available evidence is currently insufficient to determine the role of this variant in disease. Therefore, it has been classified as a Variant of Uncertain Significance.

NM_001195518.2(MICU1):c.1274A>G (p.Asn425Ser)

Gene: MICU1 (mitochondrial calcium uptake 1; minus strand). Cytogenetic location: 10q22.1.
Variant type: single nucleotide variant.
Coding change: c.1274A>G on transcript NM_001195518.2 (MANE Select); coding-DNA position 1274, A replaced by G.
Protein change: p.Asn425Ser; replaces asparagine 425 with serine.
Molecular consequence: missense variant.
Genome position (GRCh38, 1-based): chr10:72,368,352, T>C on the plus strand (A>G on the coding strand, the complement: MICU1 is on the minus strand). VCF-style: chr10-72368352-T-C. GRCh37 (hg19) VCF-style: chr10-74128110-T-C.
Other names: c.680A>G, p.Asn227Ser (NM_001195519.2); c.1292A>G, p.Asn431Ser (NM_001363513.2); c.1280A>G, p.Asn427Ser (NM_006077.4); short protein forms N227S, N425S, N427S, N431S.
Identifiers: ClinVar variation 2418011 (VCV002418011.6), dbSNP rs575376093, ClinGen allele CA5550002.